The following continues an entry in ClinVar:

NM_145239.3(PRRT2):c.649dup (p.Arg217fs)

ClinVar aggregate classification (germline): Pathogenic/Likely pathogenic. Pathogenic (76); Likely pathogenic (3).

Submissions 19 to 35 of 96:

Variantyx, Inc.
Classification: Pathogenic for Autosomal dominant PRRT2-related disorders. Last evaluated: 2025-03-26. Review status: criteria provided, single submitter. Criteria: Variantyx Assertion Criteria 2022. Collection method: clinical testing. Allele origin: maternal.
Comment: This is a frameshift variant in the PRRT2 gene (OMIM: 614386). Pathogenic variants in this gene have been associated with autosomal dominant PRRT2-related disorders. This variant introduces a premature termination codon in exon 2 out of 4. It is expected to result in loss of function, which is a known disease mechanism for PRRT2 in this disorder (PMID: 33791013, 32237035, 22543779) (PVS1). This is a common variant, accounting for over 80% of cases of PRRT2-associated disease (PMID: 26598493). This variant has been observed to segregate with disease in multiple individuals from several families (PMID: 20158512, 22209761) (PP1_Strong). This variant has a 0.0906% maximum allele frequency in non-founder control populations. Based on the current evidence, this variant is classified as pathogenic for autosomal dominant PRRT2-related disorders.Inheritance from an unaffected or mildly affected parent has been reported, consistent with incomplete penetrance and variable expressivity (PMID: 29334453).

Laboratory of Genetics, Children's Clinical University Hospital Latvia
Classification: Pathogenic. Last evaluated: 2025-02-16. Review status: criteria provided, single submitter. Criteria: ACMG Guidelines, 2015. Collection method: clinical testing. Allele origin: germline. Affected: yes.

Institute of Immunology and Genetics Kaiserslautern
Classification: Pathogenic for Seizures, benign familial infantile, 2. Last evaluated: 2025-02-04. Review status: criteria provided, single submitter. Criteria: ACMG Guidelines, 2015. Collection method: clinical testing. Allele origin: germline. Affected: yes.
Comment: ACMG Criteria: PVS1, PS3, PS4, PP1_M, PP5; Variant was found in heterozygous state

Clinical Genetics Laboratory, University Hospital Schleswig-Holstein
Classification: Pathogenic for Episodic kinesigenic dyskinesia 1; Infantile convulsions and choreoathetosis; Seizures, benign familial infantile, 2. Last evaluated: 2025-01-10. Review status: criteria provided, single submitter. Criteria: ACMG Guidelines, 2015. Collection method: clinical testing. Allele origin: germline. Affected: yes.
Comment: ACMG criteria applied: PS4, PVS1, PP1_Strong, PP4, PM6

Department of Neurology, Zibo Changguo Hospital
Classification: Pathogenic for Episodic kinesigenic dyskinesia 1; Infantile convulsions and choreoathetosis; Seizures, benign familial infantile, 2. Last evaluated: 2025-01-09. Review status: criteria provided, single submitter. Criteria: ACMG Guidelines, 2015. Collection method: clinical testing. Allele origin: germline. Inheritance: Autosomal dominant inheritance. Affected: yes.
Comment: PVS1, PS4

Revvity Omics, Revvity
Classification: Pathogenic. Last evaluated: 2024-12-16. Review status: criteria provided, single submitter. Criteria: ACMG Guidelines, 2015. Collection method: clinical testing. Allele origin: germline.

Blueprint Genetics
Classification: Pathogenic for PRRT2-related disorders. Last evaluated: 2024-11-20. Review status: criteria provided, single submitter. Criteria: ACMG Guidelines, 2015. Collection method: clinical testing. Allele origin: germline. Affected: yes. Observed: 5 variant alleles.

Dubai Health Genomic Medicine Center, Dubai Health
Classification: Pathogenic for Convulsions. Last evaluated: 2024-10-04. Review status: criteria provided, single submitter. Criteria: ACMG Guidelines, 2015. Collection method: research. Allele origin: germline. Affected: yes.
Comment: PVS1,PP1,PS4,PM2

Athena Diagnostics
Classification: Pathogenic. Last evaluated: 2024-07-03. Review status: criteria provided, single submitter. Criteria: Athena Diagnostics Criteria. Collection method: clinical testing. Allele origin: unknown.
Comment: This variant is expected to result in the loss of a functional protein. The frequency of this variant in the general population appears higher than would generally be expected for pathogenic variants in this gene, however, the data have failed quality metrics and thus are not useful in evaluating the pathogenicity of this variant (Genome Aggregation Database (gnomAD), Cambridge, MA (URL)). This variant has not been reported in control populations composed of more than 4,000 samples and varying ethnicities, which is consistent with the pathogenicity of this variant (PMID: 22243967, 22870186, 22875091, 23077024, 23077026, 22399141, 22209761, 22101681, 22131361, 25522171). This variant associates with various PRRT2-related disorders in multiple families, and is also reported to have reduced penetrance and variable expression between and within families (PMID: 23077026, 22782515, 23126439, 22120146, 22623405, 23077017, 23182655, 23771590, 24370076, 25502464). This variant appears to occur de novo in multiple individuals with various PRRT2-related disorders (PMID: 23077026, 22399141).

Division of Genetic & Genomic Pathology, Hong Kong Children's Hospital
Classification: Pathogenic for Episodic kinesigenic dyskinesia 1. Last evaluated: 2024-06-25. Review status: criteria provided, single submitter. Criteria: ACMG Guidelines, 2015. Collection method: clinical testing. Allele origin: germline. Affected: yes. Observed: 2 variant alleles.
Comment: The duplication variant PRRT2 c.649dup is predicted to introduce a premature stop codon in exon 2 and induce nonsense-mediated mRNA decay. Loss-of-function variant in the PRRT2 gene is a known genetic cause of the disease (PMID: 22623405). The c.649dup variant is the most common pathogenic variant in the PRRT2 gene (PMID: 29334453).

Department of Human Genetics, Hannover Medical School
Classification: Pathogenic for Epilepsy, familial focal, with variable foci 3. Last evaluated: 2024-03-25. Review status: criteria provided, single submitter. Criteria: ACMG Guidelines, 2015. Collection method: clinical testing. Allele origin: germline. Affected: yes.

Cytogénomique, Hospices Civils de Lyon
Classification: Pathogenic for Seizures. Last evaluated: 2024-03-05. Review status: criteria provided, single submitter. Criteria: ACMG Guidelines, 2015. Collection method: clinical testing. Allele origin: unknown. Affected: yes. Observed: 1 variant allele, 1 compound heterozygote.

Institute of Human Genetics Munich, TUM University Hospital
Classification: Pathogenic for Seizures, benign familial infantile, 2. Last evaluated: 2024-02-05. Review status: criteria provided, single submitter. Criteria: Classification criteria August 2017. Collection method: clinical testing. Allele origin: paternal. Inheritance: Autosomal dominant inheritance. Affected: yes. Observed: 1 variant allele.

Clinical Genetics Laboratory, Skane University Hospital Lund
Classification: Pathogenic. Last evaluated: 2024-01-24. Review status: criteria provided, single submitter. Criteria: ACMG Guidelines, 2015. Collection method: clinical testing. Allele origin: germline. Affected: yes.

Neuberg Centre For Genomic Medicine, NCGM
Classification: Pathogenic for Infantile convulsions and choreoathetosis. Last evaluated: 2023-06-22. Review status: criteria provided, single submitter. Criteria: ACMG Guidelines, 2015. Collection method: clinical testing. Allele origin: germline. Inheritance: Autosomal dominant inheritance. Affected: yes.
Comment: The observed frameshift c.649dupp.Arg217ProfsTer8 variant in PRRT2 gene has been reported previously in heterozygous state in multiple individuals affected with infantile seizures and/or paroxysmal kinesigenic dyskinesia PKD Zheng W, et al., 2016; Sangu N, et al., 2015; Chen GH., 2015; Steinlein et al., 2012. This variant has been observed to segregate with disease in related individuals. Published functional studies indicate this variant results in decreased expression and altered cellular localization of the protein Wu L, et al., 2014. This variant is present with an allele frequency of 0.4% in the gnomAD Exomes. This variant has been submitted to the ClinVar database as Likely Pathogenic / Pathogenic multiple submissons. This variant causes a frameshift starting with codon Arginine 217, changes this amino acid to Proline residue, and creates a premature Stop codon at position 8 of the new reading frame, denoted p.Arg217ProfsTer8. This variant is predicted to cause loss of normal protein function through protein truncation. Loss-of-function variants in PRRT2 are known to be disease causing Méneret A, et al., 2012. For these reasons, this variant has been classified as Pathogenic.

Women's Health and Genetics/Laboratory Corporation of America, LabCorp
Classification: Pathogenic for Episodic kinesigenic dyskinesia 1. Last evaluated: 2023-06-15. Review status: criteria provided, single submitter. Criteria: LabCorp Variant Classification Summary - May 2015. Collection method: clinical testing. Allele origin: germline.
Comment: Variant summary: PRRT2 c.649dupC (p.Arg217ProfsX8) results in a premature termination codon, predicted to cause a truncation of the encoded protein or absence of the protein due to nonsense mediated decay, which are commonly known mechanisms for disease. The variant allele was found at a frequency of 0.0037 in 135540 control chromosomes, however this information is unreliable due to low quality metrics at this position as indicated by analysis filters incorporated in gnomAD. c.649dupC has been reported in the literature in multiple individuals affected with PRRT2-related conditions (e.g., Ji_2021). At least one publication reports experimental evidence evaluating an impact on protein function, demonstrating that approximately 80% of mutated transcripts are degraded by nonsense-mediated decay and residual mutated transcripts yield an N-terminally truncated protein (e.g., Wu_2014). The following publications have been ascertained in the context of this evaluation (PMID: 33661484, 25457817). 39 ClinVar submitters have submitted clinical-significance assessments for this variant to ClinVar after 2014, and all submitters classified the variant as pathogenic or likely pathogenic. Based on the evidence outlined above, the variant was classified as pathogenic.

Pediatrics, Sichuan Provincial Hospital For Women And Children
Classification: Pathogenic for Seizures, benign familial infantile, 2. Last evaluated: 2023-02-16. Review status: criteria provided, single submitter. Criteria: ACMG Guidelines, 2015. Collection method: research. Allele origin: maternal. Inheritance: Autosomal dominant inheritance. Affected: yes. Observed: 1 hemizygote.